The following is an entry in ClinVar:

NM_000152.5(GAA):c.205C>T (p.Gln69Ter)

Gene: GAA (alpha glucosidase; plus strand). Cytogenetic location: 17q25.3.
Variant type: single nucleotide variant.
Coding change: c.205C>T on transcript NM_000152.5 (MANE Select); coding-DNA position 205, C replaced by T.
Protein change: p.Gln69Ter; replaces glutamine 69 with a stop codon.
Molecular consequence: nonsense.
Genome position (GRCh38, 1-based): chr17:80,104,791, C>T. VCF-style: chr17-80104791-C-T. GRCh37 (hg19) VCF-style: chr17-78078590-C-T.
Other names: c.205C>T, p.Gln69Ter (NM_001079804.3, NM_001406741.1, NM_001406742.1 and 1 more transcripts); short protein forms Q69*.
Identifiers: ClinVar variation 4876655 (VCV004876655.1).

ClinVar aggregate classification (germline): Likely pathogenic (1 of 4 stars; one submission).

Conditions:
Glycogen storage disease, type II (IOPD). Also called: Pompe Disease; CARDIOMEGALIA GLYCOGENICA DIFFUSA; GLYCOGENOSIS, GENERALIZED, CARDIAC FORM; GSD II; POMPE DISEASE, INFANTILE-ONSET; GLYCOGEN STORAGE DISEASE II, INFANTILE-ONSET. Identifiers: Orphanet 365, MedGen C0017921, MONDO:0009290, OMIM 232300.

Submission:

Genomenon, Inc
Classification: Likely pathogenic for Glycogen storage disease, type II. Last evaluated: 2026-07-01. Review status: criteria provided, single submitter. Criteria: Genomenon Sequence Variant Interpretation Standards - Updated. Collection method: curation. Allele origin: germline. Affected: no.
Comment: GAA p.Gln69Ter (c.205C>T) is a nonsense variant that introduces a premature stop codon at amino acid position 69 and is predicted to result in a truncated or absent protein product. This variant has been reported in the published literature (PMID:30155607;33560568). It is absent or not present at a significant frequency in gnomAD. In conclusion, we classify GAA p.Gln69Ter (c.205C>T) as a likely pathogenic variant.

Literature cited by the submitters: PubMed 30155607; PubMed 33560568.